The following is an entry in ClinVar:

NM_001371395.1(USP53):c.2227C>A (p.Leu743Ile)

Gene: USP53 (ubiquitin specific peptidase 53; plus strand). Cytogenetic location: 4q26.
Variant type: single nucleotide variant.
Coding change: c.2227C>A on transcript NM_001371395.1 (MANE Select); coding-DNA position 2227, C replaced by A.
Protein change: p.Leu743Ile; replaces leucine 743 with isoleucine.
Molecular consequence: missense variant.
Genome position (GRCh38, 1-based): chr4:119,273,684, C>A. VCF-style: chr4-119273684-C-A. GRCh37 (hg19) VCF-style: chr4-120194839-C-A.
Other names: c.2074C>A, p.Leu692Ile (NM_001371396.1, NM_001389661.1); c.2227C>A, p.Leu743Ile (NM_001371397.1, NM_001371398.1, NM_001371399.1 and 3 more transcripts); c.2077C>A, p.Leu693Ile (NM_001389660.1); c.1879C>A, p.Leu627Ile (NM_001389662.1, NM_001389663.1, NM_001389664.1 and 1 more transcripts); c.1726C>A, p.Leu576Ile (NM_001389665.1, NM_001389667.1); short protein forms L743I, L692I, L576I, L627I, L693I.
Identifiers: ClinVar variation 773160 (VCV000773160.17), dbSNP rs202084651, ClinGen allele CA3059330.

ClinVar aggregate classification (germline): Likely benign. Review status: criteria provided, multiple submitters, no conflicts (2 of 4 stars). 4 submissions from 4 submitters: Likely benign (4). Last evaluated 2026-01-18.

Conditions:
USP53-related disorder. Also called: USP53-related condition.

Allele frequency attached by ClinVar (database versions not stated): 1000 Genomes Project 30x 0.00047; 1000 Genomes Project 0.00060; gnomAD exomes 0.00291 and 0.00505; ExAC 0.00310; gnomAD 0.00331 and 0.00356; TOPMed 0.00339; ESP Exome Variant Server 0.00491.
gnomAD v4.1: 7,868 of 1,611,934 alleles (0.49%); highest among the groups gnomAD compares: Non-Finnish European, 0.62%; 30 homozygotes.

Submissions (4):

Labcorp Genetics (formerly Invitae), Labcorp
Classification: Likely benign. Last evaluated: 2026-01-18. Review status: criteria provided, single submitter. Criteria: Invitae Variant Classification Sherloc (09022015). Collection method: clinical testing. Allele origin: germline.

PreventionGenetics, part of Exact Sciences
Classification: Likely benign for USP53-related condition. Last evaluated: 2026-01-08. Review status: criteria provided, single submitter. Criteria: ACMG Guidelines, 2015. Collection method: clinical testing. Allele origin: germline.
Comment: This variant is classified as likely benign based on ACMG/AMP sequence variant interpretation guidelines (Richards et al. 2015 PMID: 25741868, with internal and published modifications).

CeGaT Center for Human Genetics Tuebingen
Classification: Likely benign. Last evaluated: 2025-11-01. Review status: criteria provided, single submitter. Criteria: CeGaT Center For Human Genetics Tuebingen Variant Classification Criteria Version 2. Collection method: clinical testing. Allele origin: germline. Affected: yes. Observed: 1 variant allele.
Comment: USP53: BP4, BS2

Breakthrough Genomics
Classification: Likely benign. Review status: criteria provided, single submitter. Criteria: ACMG Guidelines, 2015. Collection method: not provided. Allele origin: germline. Inheritance: Autosomal recessive inheritance. Affected: yes.